The following is an entry in ClinVar:

NM_153006.3(NAGS):c.1597G>A (p.Gly533Ser)

Gene: NAGS (N-acetylglutamate synthase; plus strand). Cytogenetic location: 17q21.31.
Variant type: single nucleotide variant.
Coding change: c.1597G>A on transcript NM_153006.3 (MANE Select); coding-DNA position 1597, G replaced by A.
Protein change: p.Gly533Ser; replaces glycine 533 with serine.
Molecular consequence: missense variant.
Genome position (GRCh38, 1-based): chr17:44,008,593, G>A. VCF-style: chr17-44008593-G-A. GRCh37 (hg19) VCF-style: chr17-42085961-G-A.
Other names: short protein forms G533S.
Identifiers: ClinVar variation 577798 (VCV000577798.11), dbSNP rs139304608, ClinGen allele CA290854525.

ClinVar aggregate classification (germline): Uncertain significance. Review status: criteria provided, multiple submitters, no conflicts (2 of 4 stars). 3 submissions from 3 submitters: Uncertain significance (2). 1 of the submissions does not count toward it. Last evaluated 2025-12-03.

Conditions:
Hyperammonemia, type III (NAGSD). Also called: Hyperammonemia due to N-acetylglutamate synthase deficiency. Identifiers: Orphanet 927, MedGen C0268543, MONDO:0009377, OMIM 237310.
Inborn genetic diseases. Identifiers: MedGen C0950123, MeSH D030342.

Allele frequency attached by ClinVar (database versions not stated): gnomAD 0.00001; gnomAD exomes 0.00001; TOPMed 0.00002; ESP Exome Variant Server 0.00008.
gnomAD v4.1: 16 of 1,613,580 alleles (0.00099%); highest among the groups gnomAD compares: Non-Finnish European, 0.0014%; no homozygotes.

Submissions (3):

Ambry Genetics
Classification: Uncertain significance for Inborn genetic diseases. Last evaluated: 2025-12-03. Review status: criteria provided, single submitter. Criteria: Ambry Variant Classification Scheme 2023. Collection method: clinical testing. Allele origin: germline.

Labcorp Genetics (formerly Invitae), Labcorp
Classification: Uncertain significance for Hyperammonemia, type III. Last evaluated: 2021-08-28. Review status: criteria provided, single submitter. Criteria: Invitae Variant Classification Sherloc (09022015). Collection method: clinical testing. Allele origin: germline.
Comment: This sequence change replaces glycine with serine at codon 533 of the NAGS protein (p.Gly533Ser). The glycine residue is highly conserved and there is a small physicochemical difference between glycine and serine. This variant is not present in population databases (ExAC no frequency). This variant has not been reported in the literature in individuals affected with NAGS-related conditions. Algorithms developed to predict the effect of missense changes on protein structure and function are either unavailable or do not agree on the potential impact of this missense change (SIFT: "Deleterious"; PolyPhen-2: "Possibly Damaging"; Align-GVGD: "Class C0"). In summary, the available evidence is currently insufficient to determine the role of this variant in disease. Therefore, it has been classified as a Variant of Uncertain Significance.

Natera, Inc.
Classification: Uncertain significance for Hyperammonemia type III. Last evaluated: 2020-03-18. Review status: no assertion criteria provided. Collection method: clinical testing. Allele origin: germline. Not counted in ClinVar's aggregate classification.